The following is an entry in ClinVar:

ClinVar aggregate classification (germline): Uncertain significance. Review status: criteria provided, multiple submitters, no conflicts (2 of 4 stars). 2 submissions from 2 submitters: Uncertain significance (2). Last evaluated 2023-07-12.

Conditions:
Inborn genetic diseases. Identifiers: MedGen C0950123, MeSH D030342.
Mucopolysaccharidosis, MPS-III-D (MPS3D). Also called: N-ACETYLGLUCOSAMINE-6-SULFATASE DEFICIENCY; SANFILIPPO SYNDROME D; MPS III D; Mucopoly-saccharidosis type 3D; N-acetylglucosamine-6-sulfate sulfatase deficiency; MPS 3D. Identifiers: Orphanet 581, Orphanet 79272, MedGen C0086650, MONDO:0009658, OMIM 252940.

Allele frequency attached by ClinVar (database versions not stated): TOPMed below 0.00001.

Submissions (2):

Ambry Genetics
Classification: Uncertain significance for Inborn genetic diseases. Last evaluated: 2023-07-12. Review status: criteria provided, single submitter. Criteria: Ambry Variant Classification Scheme 2023. Collection method: clinical testing. Allele origin: germline.

Labcorp Genetics (formerly Invitae), Labcorp
Classification: Uncertain significance for Mucopolysaccharidosis, MPS-III-D. Last evaluated: 2022-10-12. Review status: criteria provided, single submitter. Criteria: Invitae Variant Classification Sherloc (09022015). Collection method: clinical testing. Allele origin: germline.
Comment: This sequence change replaces proline, which is neutral and non-polar, with arginine, which is basic and polar, at codon 129 of the GNS protein (p.Pro129Arg). This variant is present in population databases (no rsID available, gnomAD 0.0009%). This variant has not been reported in the literature in individuals affected with GNS-related conditions. Advanced modeling of protein sequence and biophysical properties (such as structural, functional, and spatial information, amino acid conservation, physicochemical variation, residue mobility, and thermodynamic stability) performed at Invitae indicates that this missense variant is not expected to disrupt GNS protein function. In summary, the available evidence is currently insufficient to determine the role of this variant in disease. Therefore, it has been classified as a Variant of Uncertain Significance.

NM_002076.4(GNS):c.386C>G (p.Pro129Arg)

Gene: GNS (glucosamine (N-acetyl)-6-sulfatase; minus strand). Cytogenetic location: 12q14.3.
Variant type: single nucleotide variant.
Coding change: c.386C>G on transcript NM_002076.4 (MANE Select); coding-DNA position 386, C replaced by G.
Protein change: p.Pro129Arg; replaces proline 129 with arginine.
Molecular consequence: missense variant.
Genome position (GRCh38, 1-based): chr12:64,747,785, G>C on the plus strand (C>G on the coding strand, the complement: GNS is on the minus strand). VCF-style: chr12-64747785-G-C. GRCh37 (hg19) VCF-style: chr12-65141565-G-C.
Other names: c.386C>G (NM_002076.3); short protein forms P129R.
Identifiers: ClinVar variation 2183034 (VCV002183034.3), dbSNP rs1458709315, ClinGen allele CA385610908.